The following is an entry in ClinVar:

ClinVar aggregate classification (germline): Likely benign (1 of 4 stars; one submission).

Conditions:
Long QT syndrome (LQTS). Identifiers: MedGen C0023976, MeSH D008133, MONDO:0002442. Disease mechanism: loss of function. Inheritance: Various modes of inheritance.

Submission:

All of Us Research Program, National Institutes of Health
Classification: Likely benign for Long QT syndrome. Last evaluated: 2023-08-28. Review status: criteria provided, single submitter. Criteria: ACMG Guidelines, 2015. Collection method: clinical testing. Allele origin: germline. Inheritance: Autosomal dominant inheritance. Observed: 1 variant allele, 1 heterozygote.
Comment: This study involves interpretation of variants in research participants for the purpose of population health screening. Participant phenotype was not available at the time of variant classification. Additional details can be found in publication PMID: 35346344, PMCID: PMC8962531

NM_000238.4(KCNH2):c.2802C>A (p.Gly934=)

Gene: KCNH2 (potassium voltage-gated channel subfamily H member 2; minus strand). Cytogenetic location: 7q36.1.
Variant type: single nucleotide variant.
Coding change: c.2802C>A on transcript NM_000238.4 (MANE Select); coding-DNA position 2802, C replaced by A.
Protein change: p.Gly934=; no amino-acid change (glycine 934 retained).
Molecular consequence: synonymous variant.
Genome position (GRCh38, 1-based): chr7:150,947,769, G>T on the plus strand (C>A on the coding strand, the complement: KCNH2 is on the minus strand). VCF-style: chr7-150947769-G-T. GRCh37 (hg19) VCF-style: chr7-150644857-G-T.
Other names: c.2514C>A, p.Gly838= (NM_001406753.1); c.1782C>A, p.Gly594= (NM_172057.3).
Identifiers: ClinVar variation 3073187 (VCV003073187.1), dbSNP rs780308005, ClinGen allele CA458871104.